The following is an entry in ClinVar:

ClinVar aggregate classification (germline): Pathogenic/Likely pathogenic. Review status: criteria provided, multiple submitters, no conflicts (2 of 4 stars). 2 submissions from 2 submitters: Pathogenic (1); Likely pathogenic (1). Last evaluated 2026-01-15.

Conditions:
Intellectual developmental disorder with microcephaly and with or without ocular malformations or hypogonadotropic hypogonadism. Also called: Intellectual disability, autosomal dominant 27; Coffin-Siris Syndrome 9. Identifiers: Orphanet 1465, MedGen C4014528, MONDO:0014376, OMIM 615866.

Submissions (2):

Labcorp Genetics (formerly Invitae), Labcorp
Classification: Pathogenic. Last evaluated: 2026-01-15. Review status: criteria provided, single submitter. Criteria: Invitae Variant Classification Sherloc (09022015). Collection method: clinical testing. Allele origin: germline.
Comment: This sequence change replaces phenylalanine, which is neutral and non-polar, with leucine, which is neutral and non-polar, at codon 56 of the SOX11 protein (p.Phe56Leu). This variant is not present in population databases (gnomAD no frequency). This missense change has been observed in individual(s) with clinical features of Coffin-Siris syndrome (PMID: 35341651; internal data). In at least one individual the variant was observed to be de novo. ClinVar contains an entry for this variant (Variation ID: 1067424). Invitae Evidence Modeling of protein sequence and biophysical properties (such as structural, functional, and spatial information, amino acid conservation, physicochemical variation, residue mobility, and thermodynamic stability) indicates that this missense variant is expected to disrupt SOX11 protein function with a positive predictive value of 95%. For these reasons, this variant has been classified as Pathogenic.

SIB Swiss Institute of Bioinformatics
Classification: Likely pathogenic for Intellectual developmental disorder with microcephaly and with or without ocular malformations or hypogonadotropic hypogonadism. Last evaluated: 2023-03-09. Review status: criteria provided, single submitter. Criteria: ACMG Guidelines, 2015. Collection method: curation. Allele origin: unknown.
Comment: This variant is interpreted as likely pathogenic for Intellectual developmental disorder with microcephaly and with or without ocular malformations or hypogonadotropic hypogonadism, autosomal dominant. The following ACMG Tag(s) were applied: Absent from controls (or at extremely low frequency if recessive) in Exome Sequencing Project, 1000 Genomes Project, or Exome Aggregation Consortium (PM2); Located in a mutational hot spot and/or critical and well-established functional domain (e.g., active site of an enzyme) without benign variation (PM1); Multiple lines of computational evidence support a deleterious effect on the gene or gene product (PP3); Assumed de novo, but no confirmation of paternity and maternity (PM6).

Literature cited by the submitters: PubMed 35341651 (cited by Labcorp Genetics (formerly Invitae), Labcorp and SIB Swiss Institute of Bioinformatics).

NM_003108.4(SOX11):c.168C>G (p.Phe56Leu)

Gene: SOX11 (SRY-box transcription factor 11; plus strand). Cytogenetic location: 2p25.2.
Variant type: single nucleotide variant.
Coding change: c.168C>G on transcript NM_003108.4 (MANE Select); coding-DNA position 168, C replaced by G.
Protein change: p.Phe56Leu; replaces phenylalanine 56 with leucine.
Molecular consequence: missense variant.
Genome position (GRCh38, 1-based): chr2:5,692,889, C>G. VCF-style: chr2-5692889-C-G. GRCh37 (hg19) VCF-style: chr2-5833021-C-G.
Other names: short protein forms F56L.
Identifiers: ClinVar variation 1067424 (VCV001067424.9), dbSNP rs2103276338, ClinGen allele CA345866091.
Genomic context (GRCh38, chr2:5,692,889, plus strand): 5'-GAGCGACCCAGACTGGTGCAAGACGGCGTCGGGCCACATCAAGCGGCCGATGAACGCGTT[C>G]ATGGTATGGTCCAAGATCGAACGCAGGAAGATCATGGAGCAGTCTCCGGACATGCACAAC-3'
Protein context (NP_003099.1, residues 46-66): SGHIKRPMNA[Phe56Leu]MVWSKIERRK